The following is an entry in ClinVar:

ClinVar aggregate classification (germline): Likely pathogenic. Review status: criteria provided, multiple submitters, no conflicts (2 of 4 stars). 2 submissions from 2 submitters: Likely pathogenic (2). Last evaluated 2024-05-09.

Conditions:
Hermansky-Pudlak syndrome 3 (HPS3). Identifiers: Orphanet 231512, Orphanet 79430, MedGen C3888001, MONDO:0013555, OMIM 614072.
Hermansky-Pudlak syndrome (HPS). Also called: ALBINISM WITH HEMORRHAGIC DIATHESIS AND PIGMENTED RETICULOENDOTHELIAL CELLS. Identifiers: Orphanet 79430, MedGen C0079504, MONDO:0019312.

Submissions (2):

Natera, Inc.
Classification: Likely pathogenic for Hermansky-Pudlak syndrome. Last evaluated: 2024-05-09. Review status: criteria provided, single submitter. Criteria: Natera Variant Classification Schema (03/2026). Collection method: clinical testing. Allele origin: germline.
Comment: The c.1249del variant in HPS3 is a frameshift variant predicted to shift the reading frame beginning at codon 417 and leads to a stop codon 11 codons downstream. This variant is expected to result in nonsense mediated decay, truncation, or a dysfunctional protein product. This variant is rare in the general population with a frequency below the threshold expected for the associated phenotype(s). Given the available evidence, this variant is classified as Likely Pathogenic.

Baylor Genetics
Classification: Likely pathogenic for Hermansky-Pudlak syndrome 3. Last evaluated: 2022-11-07. Review status: criteria provided, single submitter. Criteria: ACMG Guidelines, 2015. Collection method: clinical testing. Allele origin: unknown.

NM_032383.5(HPS3):c.1249del (p.Cys417fs)

Gene: HPS3 (HPS3 biogenesis of lysosomal organelles complex 2 subunit 1; plus strand). Cytogenetic location: 3q24.
Variant type: Deletion.
Coding change: c.1249del on transcript NM_032383.5 (MANE Select); coding-DNA position 1249, one base deleted (T; older notation c.1249delT).
Protein change: p.Cys417fs; shifts the reading frame from cysteine 417.
Molecular consequence: frameshift variant.
Genome position (GRCh38, 1-based): chr3:149,153,497, T deleted; the last of 2 consecutive T bases (chr3:149,153,496-149,153,497); deleting either gives the same sequence. VCF-style (leftmost placement, unchanged base first): chr3-149153495-CT-C. GRCh37 (hg19) VCF-style: chr3-148871282-CT-C.
Other names: c.754del, p.Cys252fs (NM_001308258.2); c.1249del (NM_032383.4); short protein forms C252fs, C417fs.
Identifiers: ClinVar variation 2676099 (VCV002676099.2), dbSNP rs2473099293, ClinGen allele CA2695199303.
Genomic context (GRCh38, chr3:149,153,495, plus strand): 5'-GAAGATTGAAGTGCATGTACCTTTATTTCTTGCTTAAATATGTGATTTTCCTTTACTAGG[CT>C]TGCCCACCTGTCAGTATGGATGTCTGTGCTTTAAGAATACAGCTTTTCATAGGCTTGAAA-3'